The following is an entry in ClinVar:

ClinVar aggregate classification (germline): Uncertain significance. Review status: criteria provided, multiple submitters, no conflicts (2 of 4 stars). 2 submissions from 2 submitters: Uncertain significance (2). Last evaluated 2025-01-19.

Conditions:
Inborn genetic diseases. Identifiers: MedGen C0950123, MeSH D030342.

Allele frequency attached by ClinVar (database versions not stated): gnomAD exomes 0.00002; ExAC 0.00004; TOPMed 0.00005; gnomAD 0.00006.
gnomAD v4.1: 31 of 1,587,238 alleles (0.002%); highest among the groups gnomAD compares: African/African-American, 0.0094%; no homozygotes.

Submissions (2):

Ambry Genetics
Classification: Uncertain significance for Inborn genetic diseases. Last evaluated: 2025-01-19. Review status: criteria provided, single submitter. Criteria: Ambry Variant Classification Scheme 2023. Collection method: clinical testing. Allele origin: germline.

Labcorp Genetics (formerly Invitae), Labcorp
Classification: Uncertain significance. Last evaluated: 2022-03-23. Review status: criteria provided, single submitter. Criteria: Invitae Variant Classification Sherloc (09022015). Collection method: clinical testing. Allele origin: germline.
Comment: This variant has not been reported in the literature in individuals affected with HERC1-related conditions. Algorithms developed to predict the effect of missense changes on protein structure and function are either unavailable or do not agree on the potential impact of this missense change (SIFT: "Deleterious"; PolyPhen-2: "Benign"; Align-GVGD: "Class C45"). In summary, the available evidence is currently insufficient to determine the role of this variant in disease. Therefore, it has been classified as a Variant of Uncertain Significance. This sequence change replaces asparagine, which is neutral and polar, with serine, which is neutral and polar, at codon 3826 of the HERC1 protein (p.Asn3826Ser). This variant is present in population databases (rs751680392, gnomAD 0.01%).

NM_003922.4(HERC1):c.11477A>G (p.Asn3826Ser)

Gene: HERC1 (HECT and RLD domain containing E3 ubiquitin protein ligase family member 1; minus strand). Cytogenetic location: 15q22.31.
Variant type: single nucleotide variant.
Coding change: c.11477A>G on transcript NM_003922.4 (MANE Select); coding-DNA position 11477, A replaced by G.
Protein change: p.Asn3826Ser; replaces asparagine 3826 with serine.
Molecular consequence: missense variant.
Genome position (GRCh38, 1-based): chr15:63,641,600, T>C on the plus strand (A>G on the coding strand, the complement: HERC1 is on the minus strand). VCF-style: chr15-63641600-T-C. GRCh37 (hg19) VCF-style: chr15-63933799-T-C.
Other names: c.11477A>G (NM_003922.3); short protein forms N3826S.
Identifiers: ClinVar variation 2421542 (VCV002421542.6), dbSNP rs751680392, ClinGen allele CA7604218.